The following is an entry in ClinVar:

ClinVar aggregate classification (germline): Conflicting classifications of pathogenicity. Review status: criteria provided, conflicting classifications (1 of 4 stars). 9 submissions from 8 submitters: Uncertain significance (8); Likely benign (1). Last evaluated 2025-10-22.

Conditions:
SYNE1-related disorder. Also called: SYNE1-related disorders; SYNE1-related disease; SYNE1-related condition.
Autosomal recessive ataxia, Beauce type. Also called: SYNE1-Related Autosomal Recessive Cerebellar Ataxia; ATAXIA, RECESSIVE, OF BEAUCE; Spinocerebellar ataxia, autosomal recessive 8; SYNE1 Deficiency. Identifiers: Orphanet 88644, MedGen C1853116, MONDO:0012549, OMIM 610743.
Emery-Dreifuss muscular dystrophy 4, autosomal dominant (EDMD4). Also called: EMERY-DREIFUSS MUSCULAR DYSTROPHY 4 WITH VARIABLE FEATURES. Identifiers: Orphanet 261, MedGen C2751807, MONDO:0013071, OMIM 612998.

Allele frequency attached by ClinVar (database versions not stated): ExAC 0.00006; gnomAD exomes 0.00007; gnomAD 0.00022 and 0.00024; ESP Exome Variant Server 0.00023; TOPMed 0.00027.
gnomAD v4.1: 97 of 1,614,048 alleles (0.006%); highest among the groups gnomAD compares: African/African-American, 0.091%; no homozygotes.

Submissions (9):

PreventionGenetics, part of Exact Sciences
Classification: Uncertain significance for SYNE1-related condition. Last evaluated: 2025-10-22. Review status: criteria provided, single submitter. Criteria: ACMG Guidelines, 2015. Collection method: clinical testing. Allele origin: germline.
Comment: The SYNE1 c.17878G>A variant is predicted to result in the amino acid substitution p.Glu5960Lys. This variant has been reported in the compound heterozygous state in monozygotic twins with cerebellar ataxia, congenital cerebellar hypoplasia and cognitive impairment (Swan et al. 2018. PubMed ID: 30275942). This variant is reported in 0.068% of alleles in individuals of African descent in gnomAD. Although we suspect that this variant may be pathogenic, at this time, the clinical significance of this variant is uncertain due to the absence of conclusive functional and genetic evidence.

Labcorp Genetics (formerly Invitae), Labcorp
Classification: Uncertain significance for Emery-Dreifuss muscular dystrophy 4, autosomal dominant; Autosomal recessive ataxia, Beauce type. Last evaluated: 2025-05-14. Review status: criteria provided, single submitter. Criteria: Invitae Variant Classification Sherloc (09022015). Collection method: clinical testing. Allele origin: germline.
Comment: This sequence change replaces glutamic acid, which is acidic and polar, with lysine, which is basic and polar, at codon 5960 of the SYNE1 protein (p.Glu5960Lys). This variant is present in population databases (rs142229551, gnomAD 0.07%). This missense change has been observed in individual(s) with cerebellar ataxia, congenital cerebellar hypoplasia, and cognitive impairment (PMID: 30275942). ClinVar contains an entry for this variant (Variation ID: 355850). An algorithm developed to predict the effect of missense changes on protein structure and function (PolyPhen-2) suggests that this variant is likely to be tolerated. In summary, the available evidence is currently insufficient to determine the role of this variant in disease. Therefore, it has been classified as a Variant of Uncertain Significance.

GeneDx
Classification: Uncertain significance. Last evaluated: 2024-05-01. Review status: criteria provided, single submitter. Criteria: GeneDx Variant Classification Process June 2021. Collection method: clinical testing. Allele origin: germline. Affected: yes.
Comment: Observed with another variant on the opposite allele (in trans) in monozygotic twins with childhood-onset ataxia, cerebellar hypoplasia, hypotonia, and cognitive impairment (PMID: 30275942); In silico analysis indicates that this missense variant does not alter protein structure/function; This variant is associated with the following publications: (PMID: 30275942)

Athena Diagnostics
Classification: Uncertain significance. Last evaluated: 2020-09-09. Review status: criteria provided, single submitter. Criteria: Athena Diagnostics criteria. Collection method: clinical testing. Allele origin: unknown.

Revvity Omics, Revvity
Classification: Uncertain significance. Last evaluated: 2020-06-26. Review status: criteria provided, single submitter. Criteria: ACMG Guidelines, 2015. Collection method: clinical testing. Allele origin: germline.

Blueprint Genetics
Classification: Uncertain significance. Last evaluated: 2020-02-19. Review status: criteria provided, single submitter. Criteria: ACMG Guidelines, 2015. Collection method: clinical testing. Allele origin: germline.

Eurofins Ntd Llc (ga)
Classification: Uncertain significance. Last evaluated: 2018-07-12. Review status: criteria provided, single submitter. Criteria: EGL ClinVar v180209 classification definitions. Collection method: clinical testing. Allele origin: germline. Observed: 1 variant allele, 1 heterozygote.

Illumina Laboratory Services, Illumina
Classification: Uncertain significance for Autosomal recessive ataxia, Beauce type. Last evaluated: 2018-01-12. Review status: criteria provided, single submitter. Criteria: ICSL Variant Classification Criteria 13 December 2019. Collection method: clinical testing. Allele origin: germline.

Illumina Laboratory Services, Illumina
Classification: Likely benign for Emery-Dreifuss muscular dystrophy 4, autosomal dominant. Last evaluated: 2018-01-12. Review status: criteria provided, single submitter. Criteria: ICSL Variant Classification Criteria 13 December 2019. Collection method: clinical testing. Allele origin: germline.
Comment: This variant was observed in the ICSL laboratory as part of a predisposition screen in an ostensibly healthy population. It had not been previously curated by ICSL or reported in the Human Gene Mutation Database (HGMD: prior to June 1st, 2018), and was therefore a candidate for classification through an automated scoring system. Utilizing variant allele frequency, disease prevalence and penetrance estimates, and inheritance mode, an automated score was calculated to assess if this variant is too frequent to cause the disease. Based on the score and internal cut-off values, a variant classified as likely benign is not then subjected to further curation. The score for this variant resulted in a classification of likely benign for this disease.

Literature cited by the submitters: PubMed 30275942 (cited by Labcorp Genetics (formerly Invitae), Labcorp and Athena Diagnostics).

NM_182961.4(SYNE1):c.18091G>A (p.Glu6031Lys)

Gene: SYNE1 (spectrin repeat containing nuclear envelope protein 1; minus strand). Cytogenetic location: 6q25.2.
Variant type: single nucleotide variant.
Coding change: c.18091G>A on transcript NM_182961.4 (MANE Select); coding-DNA position 18091, G replaced by A.
Protein change: p.Glu6031Lys; replaces glutamic acid 6031 with lysine.
Molecular consequence: missense variant.
Genome position (GRCh38, 1-based): chr6:152,284,094, C>T on the plus strand (G>A on the coding strand, the complement: SYNE1 is on the minus strand). VCF-style: chr6-152284094-C-T. GRCh37 (hg19) VCF-style: chr6-152605229-C-T.
Other names: c.17878G>A, p.Glu5960Lys (NM_033071.5); short protein forms E5960K, E6031K.
Identifiers: ClinVar variation 355850 (VCV000355850.26), dbSNP rs142229551, ClinGen allele CA4055054.